The following is an entry in ClinVar:

NM_001318852.2(MAPK8IP3):c.2025+5G>C

Gene: MAPK8IP3 (mitogen-activated protein kinase 8 interacting protein 3; plus strand). Cytogenetic location: 16p13.3.
Variant type: single nucleotide variant.
Coding change: c.2025+5G>C on transcript NM_001318852.2 (MANE Select); 5 bases into the intron after coding-DNA position 2025, G replaced by C.
Molecular consequence: intron variant.
Genome position (GRCh38, 1-based): chr16:1,763,788, G>C. VCF-style: chr16-1763788-G-C. GRCh37 (hg19) VCF-style: chr16-1813789-G-C.
Other names: c.2022+5G>C (NM_015133.5); c.2004+5G>C (NM_001040439.2).
Identifiers: ClinVar variation 2505591 (VCV002505591.1), dbSNP rs768725256, ClinGen allele CA7817096.

ClinVar aggregate classification (germline): Uncertain significance (1 of 4 stars; one submission).

gnomAD v4.1: 5 of 1,541,676 alleles (0.00032%); highest among the groups gnomAD compares: Non-Finnish European, 0.00044%; no homozygotes.

Submission:

GeneDx
Classification: Uncertain significance. Last evaluated: 2022-12-15. Review status: criteria provided, single submitter. Criteria: GeneDx Variant Classification Process June 2021. Collection method: clinical testing. Allele origin: germline. Affected: yes.
Comment: Not observed at significant frequency in large population cohorts (gnomAD); Has not been previously published as pathogenic or benign to our knowledge; In silico analysis suggests this variant may impact gene splicing. In the absence of RNA/functional studies, the actual effect of this sequence change is unknown..